The following is an entry in ClinVar:

NM_002843.4(PTPRJ):c.582T>A (p.Thr194=)

Gene: PTPRJ (protein tyrosine phosphatase receptor type J; plus strand). Cytogenetic location: 11p11.2.
Variant type: single nucleotide variant.
Coding change: c.582T>A on transcript NM_002843.4 (MANE Select); coding-DNA position 582, T replaced by A.
Protein change: p.Thr194=; no amino-acid change (threonine 194 retained).
Molecular consequence: synonymous variant.
Genome position (GRCh38, 1-based): chr11:48,121,232, T>A. VCF-style: chr11-48121232-T-A. GRCh37 (hg19) VCF-style: chr11-48142784-T-A.
Other names: c.582T>A, p.Thr194= (NM_001098503.2).
Identifiers: ClinVar variation 3031402 (VCV003031402.2), dbSNP rs2495150901, ClinGen allele CA474236804.

ClinVar aggregate classification (germline): Likely benign (0 of 4 stars; one submission).

Conditions:
PTPRJ-related disorder. Also called: PTPRJ-related condition.

Allele frequency attached by ClinVar (database versions not stated): gnomAD exomes below 0.00001.
gnomAD v4.1: 1 of 1,614,158 alleles (0.000062%); highest among the groups gnomAD compares: South Asian, 0.0011%; no homozygotes.

Submission:

PreventionGenetics, part of Exact Sciences
Classification: Likely benign for PTPRJ-related condition. Last evaluated: 2021-04-08. Review status: no assertion criteria provided. Collection method: clinical testing. Allele origin: germline.
Comment: This variant is classified as likely benign based on ACMG/AMP sequence variant interpretation guidelines (Richards et al. 2015 PMID: 25741868, with internal and published modifications).